The following is an entry in ClinVar:

NM_014244.5(ADAMTS2):c.132_134delinsA (p.Asp44fs)

Gene: ADAMTS2 (ADAM metallopeptidase with thrombospondin type 1 motif 2; minus strand). Cytogenetic location: 5q35.3.
Variant type: Indel.
Coding change: c.132_134delinsA on transcript NM_014244.5 (MANE Select); coding-DNA positions 132 to 134, CCC replaced by A.
Protein change: p.Asp44fs; shifts the reading frame from aspartic acid 44.
Molecular consequence: frameshift variant.
Genome position (GRCh38, 1-based): chr5:179,345,195-179,345,197, GGG replaced by T on the plus strand (CCC replaced by A on the coding strand, the reverse complement: ADAMTS2 is on the minus strand). VCF-style: chr5-179345195-GGG-T. GRCh37 (hg19) VCF-style: chr5-178772196-GGG-T.
Other names: c.132_134delinsA, p.Asp44fs (NM_021599.4); short protein forms D44fs.
Identifiers: ClinVar variation 5011076 (VCV005011076.1).

ClinVar aggregate classification (germline): Pathogenic (1 of 4 stars; one submission).

Conditions:
Ehlers-Danlos syndrome, dermatosparaxis type. Also called: EDS VIIC; Dermatosparaxis; Ehlers-Danlos syndrome, type VII, autosomal recessive. Identifiers: Orphanet 1901, MedGen C2700425, MONDO:0009161, OMIM 225410.

Submission:

Myriad Genetics, Inc.
Classification: Pathogenic for Ehlers-Danlos syndrome, dermatosparaxis type. Last evaluated: 2024-05-14. Review status: criteria provided, single submitter. Criteria: Myriad Autosomal Dominant, Autosomal Recessive and X-Linked Classification Criteria (2023). Collection method: clinical testing. Allele origin: unknown.
Comment: NM_014244.4(ADAMTS2):c.132_134delCCCinsA(D44Efs*21) is expected to be pathogenic in the context of Ehlers-Danlos syndrome, ADAMTS2-related. This variant is predicted to lead to an abnormal or absent protein product due to the creation of a premature termination codon in ADAMTS2, a gene where loss-of-function variants are known to be pathogenic. Please note: this variant was assessed in the context of healthy population screening.